The following is an entry in ClinVar:

NC_000020.10:g.(?_1960969)_(1963730_?)del

Gene: PDYN (prodynorphin; minus strand). Cytogenetic location: 20p13.
Variant type: Deletion.
Identifiers: ClinVar variation 1412388 (VCV001412388.5).

ClinVar aggregate classification (germline): Uncertain significance (1 of 4 stars; one submission).

Submission:

Labcorp Genetics (formerly Invitae), Labcorp
Classification: Uncertain significance. Last evaluated: 2022-07-06. Review status: criteria provided, single submitter. Criteria: Invitae Variant Classification Sherloc (09022015). Collection method: clinical testing. Allele origin: germline.
Comment: In summary, the available evidence is currently insufficient to determine the role of this variant in disease. Therefore, it has been classified as a Variant of Uncertain Significance. This variant has not been reported in the literature in individuals affected with PDYN-related conditions. A gross deletion of the genomic region encompassing the full coding sequence of the PDYN gene has been identified. The current clinical and genetic evidence is not sufficient to establish whether loss-of-function variants in PDYN cause disease. The boundaries of this event are unknown as they extend beyond the assayed region for this gene and therefore may encompass additional genes.